The following is an entry in ClinVar:

NM_013254.4(TBK1):c.1972_1973del (p.Leu658fs)

Gene: TBK1 (TANK binding kinase 1; plus strand). Cytogenetic location: 12q14.2.
Variant type: Microsatellite.
Coding change: c.1972_1973del on transcript NM_013254.4 (MANE Select); coding-DNA positions 1972 to 1973, 2 bases deleted (CT; older notation c.1972_1973delCT).
Protein change: p.Leu658fs; shifts the reading frame from leucine 658.
Molecular consequence: frameshift variant.
Genome position (GRCh38, 1-based): chr12:64,497,660-64,497,661, CT deleted; deleting any 2 consecutive bases within chr12:64,497,658-64,497,661 gives the same sequence; the c. name uses the placement nearest the transcript's 3' end. VCF-style (leftmost placement, unchanged base first): chr12-64497657-ACT-A. GRCh37 (hg19) VCF-style: chr12-64891437-ACT-A.
Other names: short protein forms L658fs.
Identifiers: ClinVar variation 1453082 (VCV001453082.7), dbSNP rs2136088934, ClinGen allele CA645579902.

ClinVar aggregate classification (germline): Pathogenic. Review status: criteria provided, multiple submitters, no conflicts (2 of 4 stars). 2 submissions from 2 submitters: Pathogenic (2). Last evaluated 2026-08-01.

Conditions:
Frontotemporal dementia and/or amyotrophic lateral sclerosis 4. Also called: FTDALS4. Identifiers: Orphanet 275872, MedGen C4225325, MONDO:0014641, OMIM 616439.

Submissions (2):

CeGaT Center for Human Genetics Tuebingen
Classification: Pathogenic. Last evaluated: 2026-08-01. Review status: criteria provided, single submitter. Criteria: CeGaT Center For Human Genetics Tuebingen Variant Classification Criteria Version 2. Collection method: clinical testing. Allele origin: germline. Affected: yes. Observed: 1 variant allele.
Comment: TBK1: PVS1, PM2

Labcorp Genetics (formerly Invitae), Labcorp
Classification: Pathogenic for Frontotemporal dementia and/or amyotrophic lateral sclerosis 4. Last evaluated: 2024-10-06. Review status: criteria provided, single submitter. Criteria: Invitae Variant Classification Sherloc (09022015). Collection method: clinical testing. Allele origin: germline.
Comment: This sequence change creates a premature translational stop signal (p.Leu658Alafs*23) in the TBK1 gene. It is expected to result in an absent or disrupted protein product. Loss-of-function variants in TBK1 are known to be pathogenic (PMID: 25803835, 26476236, 26581300). This variant is not present in population databases (gnomAD no frequency). This variant has not been reported in the literature in individuals affected with TBK1-related conditions. For these reasons, this variant has been classified as Pathogenic.

Literature cited by the submitters: PubMed 25803835 (cited by Labcorp Genetics (formerly Invitae), Labcorp); PubMed 26476236 (cited by Labcorp Genetics (formerly Invitae), Labcorp); PubMed 26581300 (cited by Labcorp Genetics (formerly Invitae), Labcorp).